The following is an entry in ClinVar:

NM_003919.3(SGCE):c.874G>C (p.Glu292Gln)

Genes: CASD1 (CAS1 domain sialic acid O acetyltransferase 1; plus strand), SGCE (sarcoglycan epsilon; minus strand). Cytogenetic location: 7q21.3.
Variant type: single nucleotide variant.
Coding change: c.874G>C on transcript NM_003919.3 (MANE Select); coding-DNA position 874, G replaced by C.
Protein change: p.Glu292Gln; replaces glutamic acid 292 with glutamine.
Molecular consequence: missense variant.
Genome position (GRCh38, 1-based): chr7:94,600,809, C>G on the plus strand (G>C on the coding strand, the complement: SGCE is on the minus strand). VCF-style: chr7-94600809-C-G. GRCh37 (hg19) VCF-style: chr7-94230121-C-G.
Other names: c.874G>C, p.Glu292Gln (NM_001099400.2, NM_001099401.2, NM_001346717.2); c.751G>C, p.Glu251Gln (NM_001301139.2, NM_001362809.2); c.982G>C, p.Glu328Gln (NM_001346713.2, NM_001346715.2); c.787G>C, p.Glu263Gln (NM_001346719.2, NM_001362807.2); c.601G>C, p.Glu201Gln (NM_001346720.2, NM_001362808.2); short protein forms E292Q, E328Q, E251Q, E263Q, E201Q.
Identifiers: ClinVar variation 1044400 (VCV001044400.8), dbSNP rs1799100104, ClinGen allele CA368231220.

ClinVar aggregate classification (germline): Uncertain significance (1 of 4 stars; one submission).

Conditions:
Myoclonic dystonia 11 (DYT11). Also called: DYT-SGCE; Myoclonic dystonia; Dystonia 11; Dystonia, alcohol responsive; Hereditary essential myoclonus; SGCE Myoclonus-Dystonia. Identifiers: Orphanet 36899, MedGen C1834570, MONDO:0008044, OMIM 159900.

Submission:

Labcorp Genetics (formerly Invitae), Labcorp
Classification: Uncertain significance for Myoclonic dystonia 11. Last evaluated: 2022-02-04. Review status: criteria provided, single submitter. Criteria: Invitae Variant Classification Sherloc (09022015). Collection method: clinical testing. Allele origin: germline.
Comment: This sequence change replaces glutamic acid, which is acidic and polar, with glutamine, which is neutral and polar, at codon 292 of the SGCE protein (p.Glu292Gln). This variant is not present in population databases (gnomAD no frequency). This variant has not been reported in the literature in individuals affected with SGCE-related conditions. ClinVar contains an entry for this variant (Variation ID: 1044400). Algorithms developed to predict the effect of missense changes on protein structure and function (SIFT, PolyPhen-2, Align-GVGD) all suggest that this variant is likely to be tolerated. In summary, the available evidence is currently insufficient to determine the role of this variant in disease. Therefore, it has been classified as a Variant of Uncertain Significance.